The following is an entry in ClinVar:

NM_014956.5(CEP164):c.4299_4303delinsTT (p.Thr1435del)

Gene: CEP164 (centrosomal protein 164; plus strand). Cytogenetic location: 11q23.3.
Variant type: Indel.
Coding change: c.4299_4303delinsTT on transcript NM_014956.5 (MANE Select); coding-DNA positions 4299 to 4303, GTCAA replaced by TT.
Protein change: p.Thr1435del; deletes threonine 1435.
Molecular consequence: inframe deletion.
Genome position (GRCh38, 1-based): chr11:117,412,084-117,412,088, GTCAA replaced by TT. VCF-style: chr11-117412084-GTCAA-TT. GRCh37 (hg19) VCF-style: chr11-117282800-GTCAA-TT.
Other names: c.4284_4288delinsTT, p.Thr1430del (NM_001271933.2); c.4305_4309delinsTT, p.Thr1437del (NM_001440949.1); c.4299_4303delinsTT, p.Thr1435del (NM_001440950.1, NM_001440951.1); c.4290_4294delinsTT, p.Thr1432del (NM_001440952.1); c.4275_4279delinsTT, p.Thr1427del (NM_001440953.1); c.4221_4225delinsTT, p.Thr1409del (NM_001440954.1, NM_001440955.1); c.4212_4216delinsTT, p.Thr1406del (NM_001440956.1); c.4209_4213delinsTT, p.Thr1405del (NM_001440957.1); and 21 more; short protein forms T1359del, T1379del, T1380del, T1386del, T1405del, T1310del, T1316del, T1351del.
Identifiers: ClinVar variation 4996870 (VCV004996870.1).

ClinVar aggregate classification (germline): Uncertain significance (1 of 4 stars; one submission).

Conditions:
CEP164-related disorder. Also called: CEP164-related condition.

Submission:

PreventionGenetics, part of Exact Sciences
Classification: Uncertain significance for CEP164-related condition. Last evaluated: 2024-10-15. Review status: criteria provided, single submitter. Criteria: ACMG Guidelines, 2015. Collection method: clinical testing. Allele origin: germline.
Comment: The CEP164 c.4299_4303delinsTT variant is predicted to result in an in-frame deletion and insertion. To our knowledge, this variant has not been reported in the literature or in a large population database (gnomAD), indicating this variant is rare. At this time, the clinical significance of this variant is uncertain due to the absence of conclusive functional and genetic evidence.